The following is an entry in ClinVar:

NM_052947.4(ALPK2):c.2008A>G (p.Met670Val)

Gene: ALPK2 (alpha kinase 2; minus strand). Cytogenetic location: 18q21.31.
Variant type: single nucleotide variant.
Coding change: c.2008A>G on transcript NM_052947.4 (MANE Select); coding-DNA position 2008, A replaced by G.
Protein change: p.Met670Val; replaces methionine 670 with valine.
Molecular consequence: missense variant.
Genome position (GRCh38, 1-based): chr18:58,538,179, T>C on the plus strand (A>G on the coding strand, the complement: ALPK2 is on the minus strand). VCF-style: chr18-58538179-T-C. GRCh37 (hg19) VCF-style: chr18-56205411-T-C.
Other names: short protein forms M670V.
Identifiers: ClinVar variation 1784349 (VCV001784349.2), dbSNP rs2518878261, ClinGen allele CA402571906.

ClinVar aggregate classification (germline): Uncertain significance (1 of 4 stars; one submission).

Submission:

Ambry Genetics
Classification: Uncertain significance. Last evaluated: 2022-02-05. Review status: criteria provided, single submitter. Criteria: Ambry Variant Classification Scheme 2023. Collection method: clinical testing. Allele origin: germline.
Comment: The p.M670V variant (also known as c.2008A>G), located in coding exon 4 of the ALPK2 gene, results from an A to G substitution at nucleotide position 2008. The methionine at codon 670 is replaced by valine, an amino acid with highly similar properties. This amino acid position is conserved. In addition, this alteration is predicted to be tolerated by in silico analysis. Since supporting evidence is limited at this time, the clinical significance of this alteration remains unclear.